The following is an entry in ClinVar:

NM_014795.4(ZEB2):c.2180T>A (p.Leu727Ter)

Gene: ZEB2 (zinc finger E-box binding homeobox 2; minus strand). Cytogenetic location: 2q22.3.
Variant type: single nucleotide variant.
Coding change: c.2180T>A on transcript NM_014795.4 (MANE Select); coding-DNA position 2180, T replaced by A.
Protein change: p.Leu727Ter; replaces leucine 727 with a stop codon.
Molecular consequence: nonsense.
Genome position (GRCh38, 1-based): chr2:144,399,007, A>T on the plus strand (T>A on the coding strand, the complement: ZEB2 is on the minus strand). VCF-style: chr2-144399007-A-T. GRCh37 (hg19) VCF-style: chr2-145156574-A-T.
Other names: c.2108T>A, p.Leu703Ter (NM_001171653.2); short protein forms L703*, L727*.
Identifiers: ClinVar variation 2687497 (VCV002687497.2), dbSNP rs2549106126, ClinGen allele CA348708852.
Genomic context (GRCh38, chr2:144,399,007, plus strand): 5'-AGTTCTGCTATAGATGGTGATGTTATGGAGTCCATAGGTTTTACAGGAGACCTGGGTAAT[A>T]AAGAGTCTTTTGTGGGAGGGTTACTGTTGGGAGCTAACGGCTTGGAGCTTCTTTCCAGGG-3'

ClinVar aggregate classification (germline): Pathogenic (1 of 4 stars; one submission).

Conditions:
Mowat-Wilson syndrome (MOWS). Also called: Classic Mowat-Wilson Syndrome. Identifiers: Orphanet 2152, MedGen C1856113, MONDO:0009341, OMIM 235730.

Submission:

Medical Genetics Unit, Azienda USL-IRCCS di Reggio Emilia
Classification: Pathogenic for Mowat-Wilson syndrome. Last evaluated: 2023-10-20. Review status: criteria provided, single submitter. Criteria: ACMG Guidelines, 2015. Collection method: clinical testing. Allele origin: de novo. Affected: yes. Observed: 1 variant allele.
Comment: Heterozygous variant associated with Mowat-Wilson syndrome in at least 1 individual. ACMG/AMP criteria PVS1, PS2, PM2, PP4

Literature cited by the submitters: PubMed 29300384.